The following is an entry in ClinVar:

ClinVar aggregate classification (germline): Uncertain significance (1 of 4 stars; one submission).

Conditions:
Hereditary cancer-predisposing syndrome. Also called: Neoplastic Syndromes, Hereditary; Tumor predisposition; Hereditary Cancer Syndrome; Hereditary neoplastic syndrome. Identifiers: Orphanet 140162, MedGen C0027672, MeSH D009386, MONDO:0015356.

Submission:

Ambry Genetics
Classification: Uncertain significance for Hereditary cancer-predisposing syndrome. Last evaluated: 2025-12-09. Review status: criteria provided, single submitter. Criteria: Ambry Variant Classification Scheme 2023. Collection method: clinical testing. Allele origin: germline.
Comment: The p.P146L variant (also known as c.437C>T), located in coding exon 5 of the MAX gene, results from a C to T substitution at nucleotide position 437. The proline at codon 146 is replaced by leucine, an amino acid with similar properties. This amino acid position is conserved. In addition, the in silico prediction for this alteration is inconclusive. Based on the available evidence, the clinical significance of this variant remains unclear.

NM_002382.5(MAX):c.437C>T (p.Pro146Leu)

Gene: MAX (MYC associated transcriptional regulator X; minus strand). Cytogenetic location: 14q23.3.
Variant type: single nucleotide variant.
Coding change: c.437C>T on transcript NM_002382.5 (MANE Select); coding-DNA position 437, C replaced by T.
Protein change: p.Pro146Leu; replaces proline 146 with leucine.
Molecular consequence: missense variant. On other transcripts: 3 prime UTR variant (12), non-coding transcript variant (7), intron variant (2).
Genome position (GRCh38, 1-based): chr14:65,076,522, G>A on the plus strand (C>T on the coding strand, the complement: MAX is on the minus strand). VCF-style: chr14-65076522-G-A. GRCh37 (hg19) VCF-style: chr14-65543240-G-A.
Other names: c.248C>T, p.Pro83Leu (NM_001320415.2, NM_001407105.1, NM_001407106.1 and 1 more transcripts); c.437C>T, p.Pro146Leu (NM_001407094.1); c.410C>T, p.Pro137Leu (NM_001407095.1, NM_145112.3); c.*210C>T (NM_001407096.1, NM_001407099.1, NM_001407102.1 and 2 more transcripts); c.*226C>T (NM_001407097.1, NM_001407100.1, NM_001407101.1 and 4 more transcripts); c.329C>T, p.Pro110Leu (NM_001407098.1); c.236C>T, p.Pro79Leu (NM_001407111.1, NM_001407112.1); c.144+17186C>T (NM_001271069.2); and 1 more; short protein forms P110L, P146L, P79L, P137L, P83L.
Identifiers: ClinVar variation 4645720 (VCV004645720.1).